The following is an entry in ClinVar:

ClinVar aggregate classification (germline): Uncertain significance (1 of 4 stars; one submission).

Conditions:
Inborn genetic diseases. Identifiers: MedGen C0950123, MeSH D030342.

Submission:

Ambry Genetics
Classification: Uncertain significance for Inborn genetic diseases. Last evaluated: 2025-03-14. Review status: criteria provided, single submitter. Criteria: Ambry Variant Classification Scheme 2023. Collection method: clinical testing. Allele origin: germline.
Comment: The p.V868I variant (also known as c.2602G>A), located in coding exon 21 of the KDM1A gene, results from a G to A substitution at nucleotide position 2602. The valine at codon 868 is replaced by isoleucine, an amino acid with highly similar properties. This amino acid position is conserved. In addition, this alteration is predicted to be tolerated by in silico analysis. Based on the available evidence, the clinical significance of this variant remains unclear.

NM_001009999.3(KDM1A):c.2602G>A (p.Val868Ile)

Gene: KDM1A (lysine demethylase 1A; plus strand). Cytogenetic location: 1p36.12.
Variant type: single nucleotide variant.
Coding change: c.2602G>A on transcript NM_001009999.3 (MANE Select); coding-DNA position 2602, G replaced by A.
Protein change: p.Val868Ile; replaces valine 868 with isoleucine.
Molecular consequence: missense variant. On other transcripts: 3 prime UTR variant (1).
Genome position (GRCh38, 1-based): chr1:23,083,335, G>A. VCF-style: chr1-23083335-G-A. GRCh37 (hg19) VCF-style: chr1-23409828-G-A.
Other names: c.2548G>A, p.Val850Ile (NM_001363654.2); c.2608G>A, p.Val870Ile (NM_001410762.1); c.*850G>A (NM_001410763.1); c.2530G>A, p.Val844Ile (NM_015013.4); short protein forms V844I, V870I, V850I, V868I.
Identifiers: ClinVar variation 3863373 (VCV003863373.1).
Genomic context (GRCh38, chr1:23,083,335, plus strand): 5'-AGAATTGCAGACCAGTTTTTGGGGGCCATGTATACGCTGCCTCGCCAGGCCACACCAGGT[G>A]TTCCTGCACAGCAGTCCCCAAGCATGTGAGACAGATGCATTCTAAGGGAAGAGGCCCATG-3'
Protein context (NP_001009999.1, residues 858-876): YTLPRQATPG[Val868Ile]PAQQSPSM